The following is an entry in ClinVar:

ClinVar aggregate classification (germline): Pathogenic/Likely pathogenic. Review status: criteria provided, multiple submitters, no conflicts (2 of 4 stars). 8 submissions from 8 submitters: Pathogenic (6); Likely pathogenic (1). 1 of the submissions does not count toward it. Last evaluated 2026-03-10.

Conditions:
LIPH-related disorder. Also called: LIPH-related condition.
Hypotrichosis 7 (HYPT7). Also called: HYPOTRICHOSIS, LOCALIZED, AUTOSOMAL RECESSIVE 2; HYPOTRICHOSIS, AUTOSOMAL RECESSIVE. Identifiers: Orphanet 55654, MedGen C1836672, MONDO:0011452, OMIM 604379.
Woolly hair, autosomal recessive 2, with or without hypotrichosis. Identifiers: MedGen C3148823.

Submissions (8):

GeneDx
Classification: Pathogenic. Last evaluated: 2026-03-10. Review status: criteria provided, single submitter. Criteria: GeneDx Variant Classification Process June 2021. Collection method: clinical testing. Allele origin: germline.
Comment: Observed in apparent homozygous state or in the presence of a second LIPH variant in multiple unrelated patients with features of LIPH-related hypotrichosis-woolly hair disorder referred for genetic testing at GeneDx and in published literature and not observed in homozygous state in controls (PMID: 18820939, 40457931, 19536142); Published functional studies suggest a damaging effect (altered enzymatic activity) (PMID: 19536142); In-frame duplication of 30 amino acids in a non-repeat region; Not observed at significant frequency in large population cohorts (gnomAD); This variant is associated with the following publications: (PMID: 19766349, 38818819, 19536142, 40457931, 18820939)

Labcorp Genetics (formerly Invitae), Labcorp
Classification: Pathogenic. Last evaluated: 2026-01-19. Review status: criteria provided, single submitter. Criteria: Invitae Variant Classification Sherloc (09022015). Collection method: clinical testing. Allele origin: germline.
Comment: This variant, c.280_369dup, results in the insertion of 30 amino acid(s) of the LIPH protein (p.Gly94_Lys123dup), but otherwise preserves the integrity of the reading frame. This variant is not present in population databases (gnomAD no frequency). This variant has been observed in individual(s) with hypotrichosis (PMID: 18820939, 19536142, 19766349). In at least one individual the data is consistent with being in trans (on the opposite chromosome) from a pathogenic variant. It has also been observed to segregate with disease in related individuals. ClinVar contains an entry for this variant (Variation ID: 3306). Algorithms developed to predict the effect of variants on gene product structure and function are not available or were not evaluated for this variant. Experimental studies have shown that this variant affects LIPH function (PMID: 19536142). For these reasons, this variant has been classified as Pathogenic.

First Genomix Gene Laboratory, Genetic Diagnostics Department
Classification: Likely pathogenic for Hypotrichosis 7. Last evaluated: 2025-09-17. Review status: criteria provided, single submitter. Criteria: ACMG Guidelines, 2015. Collection method: clinical testing. Allele origin: germline. Inheritance: Autosomal recessive inheritance. Affected: no. Observed: 1 variant allele.

Dasa
Classification: Pathogenic. Last evaluated: 2025-07-29. Review status: criteria provided, single submitter. Criteria: DASA Assertion Criteria. Collection method: clinical testing. Allele origin: germline.
Comment: NM_139248.3(LIPH):c.280_369dup (p.Gly94_Lys123dup) is an in-frame duplication predicted to duplicate amino acids from glycine at protein position 94 through lysine at protein position 123 without shifting the reading frame. Segregation data support an association with disease in the reported family/families (PMID: 19536142; PMID: 18820939; PMID: 19365138). This variant has been recurrently observed in individuals with LIPH-related disorders (PMID: 19536142; PMID: 18820939; PMID: 19365138). Functional evidence supports an impact on the gene or gene product. Also, this variant is absent from population databases. Based on the currently available evidence, this variant is classified as pathogenic.

3billion
Classification: Pathogenic for Hypotrichosis 7. Last evaluated: 2025-01-21. Review status: criteria provided, single submitter. Criteria: ACMG Guidelines, 2015. Collection method: clinical testing. Allele origin: germline. Affected: yes.
Comment: The variant is observed at an extremely low frequency in the gnomAD v4.1.0 dataset (total allele frequency: 0.004%). Predicted Consequence/Location: Inframe insertion located in a nonrepeat region: predicted to change the length of the protein and disrupt normal protein function. Functional studies provide strong evidence of the variant having a damaging effect on the gene or gene product (PMID: 19536142). The variant has been observed in multiple (>3) similarly affected unrelated individuals (PMID: 18820939, 19766349). The variant has been reported to be in trans with a pathogenic variant as either compound heterozygous or homozygous in at least 2 similarly affected unrelated individuals (PMID: 18820939, 19536142, 19766349). The variant has been reported to co-segregate with the disease in at least one similarly affected relative/individual in the same family or similarly affected unrelated family (PMID: 18820939, 19766349). The variant has been reported to be associated with LIPH-related disorder (ClinVar ID: VCV000003306). Therefore, this variant is classified as Pathogenic according to the recommendation of ACMG/AMP guideline.

Blueprint Genetics
Classification: Pathogenic for LIPH-related disorders. Last evaluated: 2024-11-21. Review status: criteria provided, single submitter. Criteria: ACMG Guidelines, 2015. Collection method: clinical testing. Allele origin: germline. Affected: yes. Observed: 5 variant alleles.

Revvity Omics, Revvity
Classification: Pathogenic for Hypotrichosis 7. Last evaluated: 2024-05-16. Review status: criteria provided, single submitter. Criteria: ACMG Guidelines, 2015. Collection method: clinical testing. Allele origin: germline.

OMIM
Classification: Pathogenic for WOOLLY HAIR, AUTOSOMAL RECESSIVE 2, WITH OR WITHOUT HYPOTRICHOSIS. Last evaluated: 2009-01-01. Review status: no assertion criteria provided. Collection method: literature only. Allele origin: germline. Not counted in ClinVar's aggregate classification.

Literature cited by the submitters: PubMed 18820939 (cited by 3 submitters); PubMed 19536142 (cited by 3 submitters); PubMed 19766349 (cited by Labcorp Genetics (formerly Invitae), Labcorp and 3billion); PubMed 19365138 (cited by Dasa and OMIM).

NM_139248.3(LIPH):c.280_369dup (p.Lys123_Thr124insGlyLeuLeuSerValGluAspMetAsnValValValValAspTrpAsnArgGlyAlaThrThrLeuIleTyrThrHisAlaSerSerLys)

Gene: LIPH (lipase H; minus strand). Cytogenetic location: 3q27.2.
Variant type: Duplication.
Coding change: c.280_369dup on transcript NM_139248.3 (MANE Select); coding-DNA positions 280 to 369, 90 bases duplicated.
Protein change: p.Lys123_Thr124insGlyLeuLeuSerValGluAspMetAsnValValValValAspTrpAsnArgGlyAlaThrThrLeuIleTyrThrHisAlaSerSerLys.
Molecular consequence: inframe insertion.
Genome position (GRCh38, 1-based): chr3:185,534,813-185,534,902, 90 bases duplicated. GRCh37 (hg19): chr3:185,252,604-185,252,693.
Other names: c.280_369dup (NM_139248.2).
Identifiers: ClinVar variation 3306 (VCV000003306.9), dbSNP rs1720449752, ClinGen allele CA1057326116.